The following is an entry in ClinVar:

ClinVar aggregate classification (germline): Uncertain significance. Review status: criteria provided, single submitter (1 of 4 stars). 2 submissions from 2 submitters: Uncertain significance (1). 1 of the submissions does not count toward it. Last evaluated 2024-09-08.

Conditions:
Inborn genetic diseases. Identifiers: MedGen C0950123, MeSH D030342.
AFF4-related disorder. Also called: AFF4-related condition.

gnomAD v4.1: 8 of 1,597,988 alleles (0.0005%); highest among the groups gnomAD compares: Non-Finnish European, 0.00068%; 1 homozygote.

Submissions (2):

Ambry Genetics
Classification: Uncertain significance for Inborn genetic diseases. Last evaluated: 2024-09-08. Review status: criteria provided, single submitter. Criteria: Ambry Variant Classification Scheme 2023. Collection method: clinical testing. Allele origin: germline.

PreventionGenetics, part of Exact Sciences
Classification: Uncertain significance for AFF4-related condition. Last evaluated: 2024-04-11. Review status: no assertion criteria provided. Collection method: clinical testing. Allele origin: germline. Not counted in ClinVar's aggregate classification.
Comment: The AFF4 c.2270C>T variant is predicted to result in the amino acid substitution p.Ser757Leu. To our knowledge, this variant has not been reported in the literature. This variant is reported in 0.0016% of alleles in individuals of European (Non-Finnish) descent in gnomAD. At this time, the clinical significance of this variant is uncertain due to the absence of conclusive functional and genetic evidence.

NM_014423.4(AFF4):c.2270C>T (p.Ser757Leu)

Gene: AFF4 (ALF transcription elongation factor 4; minus strand). Cytogenetic location: 5q31.1.
Variant type: single nucleotide variant.
Coding change: c.2270C>T on transcript NM_014423.4 (MANE Select); coding-DNA position 2270, C replaced by T.
Protein change: p.Ser757Leu; replaces serine 757 with leucine.
Molecular consequence: missense variant.
Genome position (GRCh38, 1-based): chr5:132,896,360, G>A on the plus strand (C>T on the coding strand, the complement: AFF4 is on the minus strand). VCF-style: chr5-132896360-G-A. GRCh37 (hg19) VCF-style: chr5-132232052-G-A.
Other names: short protein forms S757L.
Identifiers: ClinVar variation 3345980 (VCV003345980.2).
Genomic context (GRCh38, chr5:132,896,360, plus strand): 5'-AACAACAAAAACCCTTCACAAACCTTATGCTTCCTCTTGCCTTTGTTGGAAACTTTTTCT[G>A]AGGCTTGTTTCTGAGCCTCTCTCGTGTGCTTTTCTGGCACATTTTTCTTTTCCCCCTTGG-3'
Protein context (NP_055238.1, residues 747-767): KHTREAQKQA[Ser757Leu]EKVSNKGKRK